The following is an entry in ClinVar:

ClinVar aggregate classification (germline): Uncertain significance (1 of 4 stars; one submission).

Conditions:
Hereditary cancer-predisposing syndrome. Also called: Tumor predisposition; Neoplastic Syndromes, Hereditary; Hereditary neoplastic syndrome; Hereditary Cancer Syndrome. Identifiers: Orphanet 140162, MedGen C0027672, MeSH D009386, MONDO:0015356.

Submission:

Ambry Genetics
Classification: Uncertain significance for Hereditary cancer-predisposing syndrome. Last evaluated: 2025-08-04. Review status: criteria provided, single submitter. Criteria: Ambry Variant Classification Scheme 2023. Collection method: clinical testing. Allele origin: germline.
Comment: The p.E51V variant (also known as c.152A>T), located in coding exon 2 of the MRE11A gene, results from an A to T substitution at nucleotide position 152. The glutamic acid at codon 51 is replaced by valine, an amino acid with dissimilar properties. This amino acid position is conserved. In addition, the in silico prediction for this alteration is inconclusive. Based on the available evidence, the clinical significance of this variant remains unclear.

NM_005591.4(MRE11):c.152A>T (p.Glu51Val)

Gene: MRE11 (MRE11 double strand break repair nuclease; minus strand). Cytogenetic location: 11q21.
Variant type: single nucleotide variant.
Coding change: c.152A>T on transcript NM_005591.4 (MANE Select); coding-DNA position 152, A replaced by T.
Protein change: p.Glu51Val; replaces glutamic acid 51 with valine.
Molecular consequence: missense variant. On other transcripts: 5 prime UTR variant (3).
Genome position (GRCh38, 1-based): chr11:94,490,834, T>A on the plus strand (A>T on the coding strand, the complement: MRE11 is on the minus strand). VCF-style: chr11-94490834-T-A. GRCh37 (hg19) VCF-style: chr11-94224000-T-A.
Other names: c.152A>T, p.Glu51Val (NM_001330347.2, NM_001440460.1, NM_001440461.1 and 21 more transcripts); c.77A>T, p.Glu26Val (NM_001440471.1, NM_001440472.1, NM_001440479.1); c.-313A>T (NM_001440485.1, NM_001440486.1, NM_001440487.1); short protein forms E51V, E26V.
Identifiers: ClinVar variation 4110092 (VCV004110092.1).